The following is an entry in ClinVar:

ClinVar aggregate classification (germline): Likely benign. Review status: criteria provided, multiple submitters, no conflicts (2 of 4 stars). 2 submissions from 2 submitters: Likely benign (2). Last evaluated 2026-01-28.

Conditions:
Familial cancer of breast. Also called: Hereditary breast cancer; BREAST CANCER, FAMILIAL; hereditary breast carcinoma. Identifiers: Orphanet 227535, MedGen C0346153, MONDO:0016419, OMIM 114480. Disease mechanism: loss of function.
Ataxia-telangiectasia syndrome (AT). Also called: LOUIS-BAR SYNDROME; Cerebello-oculocutaneous telangiectasia; Immunodeficiency with ataxia telangiectasia; Ataxia-telangiectasia, complementation group D; AT, COMPLEMENTATION GROUP C; Ataxia-telangiectasia, complementation group E. Identifiers: Orphanet 100, MedGen C0004135, MONDO:0008840, OMIM 208900.

Allele frequency attached by ClinVar (database versions not stated): gnomAD exomes below 0.00001.
gnomAD v4.1: 1 of 1,613,536 alleles (0.000062%); highest among the groups gnomAD compares: South Asian, 0.0011%; no homozygotes.

Submissions (2):

Labcorp Genetics (formerly Invitae), Labcorp
Classification: Likely benign for Ataxia-telangiectasia syndrome. Last evaluated: 2026-01-28. Review status: criteria provided, single submitter. Criteria: Invitae Variant Classification Sherloc (09022015). Collection method: clinical testing. Allele origin: germline.

Myriad Genetics, Inc.
Classification: Likely benign for Familial cancer of breast. Last evaluated: 2024-06-20. Review status: criteria provided, single submitter. Criteria: Myriad Autosomal Dominant, Autosomal Recessive and X-Linked Classification Criteria (2023). Collection method: clinical testing. Allele origin: unknown.
Comment: This variant is considered likely benign. This variant is intronic and is not expected to impact mRNA splicing.

NM_000051.4(ATM):c.8584+7T>C

Genes: ATM (ATM serine/threonine kinase; plus strand), C11orf65 (chromosome 11 open reading frame 65; minus strand). Cytogenetic location: 11q22.3.
Variant type: single nucleotide variant.
Coding change: c.8584+7T>C on transcript NM_000051.4 (MANE Select); 7 bases into the intron after coding-DNA position 8584, T replaced by C.
Molecular consequence: intron variant.
Genome position (GRCh38, 1-based): chr11:108,345,915, T>C. VCF-style: chr11-108345915-T-C. GRCh37 (hg19) VCF-style: chr11-108216642-T-C.
Other names: c.8584+7T>C (NM_001351834.2); c.641-36844A>G (NM_001330368.2); c.695-10623A>G (NM_001351110.2).
Identifiers: ClinVar variation 453733 (VCV000453733.51), dbSNP rs1374271708, ClinGen allele CA658656262.